The following is an entry in ClinVar:

ClinVar aggregate classification (germline): Uncertain significance (1 of 4 stars; one submission).

Submission:

Labcorp Genetics (formerly Invitae), Labcorp
Classification: Uncertain significance. Last evaluated: 2023-08-10. Review status: criteria provided, single submitter. Criteria: Invitae Variant Classification Sherloc (09022015). Collection method: clinical testing. Allele origin: germline.
Comment: In summary, the available evidence is currently insufficient to determine the role of this variant in disease. Therefore, it has been classified as a Variant of Uncertain Significance. Algorithms developed to predict the effect of sequence changes on RNA splicing suggest that this variant may create or strengthen a splice site. Advanced modeling of protein sequence and biophysical properties (such as structural, functional, and spatial information, amino acid conservation, physicochemical variation, residue mobility, and thermodynamic stability) performed at Invitae indicates that this missense variant is not expected to disrupt LRP5 protein function. ClinVar contains an entry for this variant (Variation ID: 2102572). This variant has not been reported in the literature in individuals affected with LRP5-related conditions. This variant is not present in population databases (gnomAD no frequency). This sequence change replaces leucine, which is neutral and non-polar, with valine, which is neutral and non-polar, at codon 634 of the LRP5 protein (p.Leu634Val).

NM_002335.4(LRP5):c.1900C>G (p.Leu634Val)

Gene: LRP5 (LDL receptor related protein 5; plus strand). Cytogenetic location: 11q13.2.
Variant type: single nucleotide variant.
Coding change: c.1900C>G on transcript NM_002335.4 (MANE Select); coding-DNA position 1900, C replaced by G.
Protein change: p.Leu634Val; replaces leucine 634 with valine.
Molecular consequence: missense variant.
Genome position (GRCh38, 1-based): chr11:68,406,622, C>G. VCF-style: chr11-68406622-C-G. GRCh37 (hg19) VCF-style: chr11-68174090-C-G.
Other names: c.157C>G, p.Leu53Val (NM_001291902.2); short protein forms L634V, L53V.
Identifiers: ClinVar variation 2102572 (VCV002102572.4), dbSNP rs2496718857, ClinGen allele CA381615522.